The following is an entry in ClinVar:

ClinVar aggregate classification (germline): Pathogenic/Likely pathogenic. Review status: criteria provided, multiple submitters, no conflicts (2 of 4 stars). 3 submissions from 3 submitters: Pathogenic (1); Likely pathogenic (2). Last evaluated 2024-10-16.

Conditions:
Retinitis pigmentosa 26 (RP26). Identifiers: Orphanet 791, MedGen C1842127, MONDO:0012024, OMIM 608380.

Allele frequency attached by ClinVar (database versions not stated): gnomAD exomes below 0.00001; TOPMed 0.00001.

Submissions (3):

Natera, Inc.
Classification: Likely pathogenic for Retinitis Pigmentosa 26. Last evaluated: 2024-10-16. Review status: criteria provided, single submitter. Criteria: Natera Variant Classification Schema (03/2026). Collection method: clinical testing. Allele origin: germline.
Comment: The c.898+2C>G variant in CERKL is a canonical splice donor site variant predicted to affect pre-mRNA splicing, which may result in an abnormal transcript and altered protein product. This variant is expected to result in nonsense mediated decay, truncation, or a dysfunctional protein product. This variant is rare in the general population with a frequency below the threshold expected for the associated phenotype(s). Given the available evidence, this variant is classified as Likely Pathogenic.

Baylor Genetics
Classification: Likely pathogenic for Retinitis pigmentosa 26. Last evaluated: 2023-01-13. Review status: criteria provided, single submitter. Criteria: ACMG Guidelines, 2015. Collection method: clinical testing. Allele origin: unknown.

Labcorp Genetics (formerly Invitae), Labcorp
Classification: Pathogenic. Last evaluated: 2022-06-13. Review status: criteria provided, single submitter. Criteria: Invitae Variant Classification Sherloc (09022015). Collection method: clinical testing. Allele origin: germline.
Comment: Algorithms developed to predict the effect of sequence changes on RNA splicing suggest that this variant may disrupt the consensus splice site. For these reasons, this variant has been classified as Pathogenic. ClinVar contains an entry for this variant (Variation ID: 1066420). Disruption of this splice site has been observed in individuals with clinical features of inherited retinal dystrophy (Invitae). This variant is present in population databases (no rsID available, gnomAD 0.003%). This sequence change affects a donor splice site in intron 6 of the CERKL gene. It is expected to disrupt RNA splicing. Variants that disrupt the donor or acceptor splice site typically lead to a loss of protein function (PMID: 16199547), and loss-of-function variants in CERKL are known to be pathogenic (PMID: 14681825, 23591405, 24043777).

Literature cited by the submitters: PubMed 16199547 (cited by Labcorp Genetics (formerly Invitae), Labcorp); PubMed 14681825 (cited by Labcorp Genetics (formerly Invitae), Labcorp); PubMed 23591405 (cited by Labcorp Genetics (formerly Invitae), Labcorp); PubMed 24043777 (cited by Labcorp Genetics (formerly Invitae), Labcorp).

NM_201548.5(CERKL):c.820+2C>G

Gene: CERKL (CERK like autophagy regulator; minus strand). Cytogenetic location: 2q31.3.
Variant type: single nucleotide variant.
Coding change: c.820+2C>G on transcript NM_201548.5 (MANE Select); the canonical splice donor site of the intron after coding-DNA position 820, C replaced by G.
Molecular consequence: splice donor variant. On other transcripts: intron variant (2).
Genome position (GRCh38, 1-based): chr2:181,558,564, G>C on the plus strand (C>G on the coding strand, the complement: CERKL is on the minus strand). VCF-style: chr2-181558564-G-C. GRCh37 (hg19) VCF-style: chr2-182423291-G-C.
Other names: c.898+2C>G (NM_001030311.2, NM_001030311.3); c.482-8856C>G (NM_001030312.3); c.766+2C>G (NM_001160277.2); c.614-8856C>G (NM_001030313.3).
Identifiers: ClinVar variation 1066420 (VCV001066420.9), dbSNP rs1328971667, ClinGen allele CA349740033.